The following is an entry in ClinVar:

ClinVar aggregate classification (germline): Benign/Likely benign. Review status: criteria provided, multiple submitters, no conflicts (2 of 4 stars). 2 submissions from 2 submitters: Benign (1); Likely benign (1). Last evaluated 2024-10-24.

Conditions:
Brachydactyly. Also called: Brachydactyly (disease); Brachydactyly syndrome. Identifiers: MedGen C0221357, MONDO:0021004, HP:0001156.

Allele frequency attached by ClinVar (database versions not stated): gnomAD 0.00617 and 0.00656; TOPMed 0.00729; 1000 Genomes Project 0.00739; 1000 Genomes Project 30x 0.00843.

Submissions (2):

Blueprint Genetics
Classification: Likely benign. Last evaluated: 2024-10-24. Review status: criteria provided, single submitter. Criteria: ACMG Guidelines, 2015. Collection method: clinical testing. Allele origin: germline.

Illumina Laboratory Services, Illumina
Classification: Benign for Brachydactyly. Last evaluated: 2018-01-12. Review status: criteria provided, single submitter. Criteria: ICSL Variant Classification Criteria 13 December 2019. Collection method: clinical testing. Allele origin: germline.
Comment: This variant was observed in the ICSL laboratory as part of a predisposition screen in an ostensibly healthy population. It had not been previously curated by ICSL or reported in the Human Gene Mutation Database (HGMD: prior to June 1st, 2018), and was therefore a candidate for classification through an automated scoring system. Utilizing variant allele frequency, disease prevalence and penetrance estimates, and inheritance mode, an automated score was calculated to assess if this variant is too frequent to cause the disease. Based on the score and internal cut-off values, a variant classified as benign is not then subjected to further curation. The score for this variant resulted in a classification of benign for this disease.

NM_001203.3(BMPR1B):c.-129A>G

Gene: BMPR1B (bone morphogenetic protein receptor type 1B; plus strand). Cytogenetic location: 4q22.3.
Variant type: single nucleotide variant.
Coding change: c.-129A>G on transcript NM_001203.3 (MANE Select); 129 bases upstream of the start codon, A replaced by G.
Molecular consequence: 5 prime UTR variant.
Genome position (GRCh38, 1-based): chr4:94,875,884, A>G. VCF-style: chr4-94875884-A-G. GRCh37 (hg19) VCF-style: chr4-95797035-A-G.
Identifiers: ClinVar variation 906578 (VCV000906578.5), dbSNP rs148290279, ClinGen allele CA102285843.
Genomic context (GRCh38, chr4:94,875,884, plus strand): 5'-TTGACAGGGTGGAGTTCAGCCTACTCTTTCTTAGATGTGAAAGGAAAGGAAGATCATTTC[A>G]TGCCTTGTTGATAAAGGTAAGTTCATAGTAATTATTAAATAATTTGAGATGTTTGGTAGG-3'